The following is an entry in ClinVar:

ClinVar aggregate classification (germline): Uncertain significance (1 of 4 stars; one submission).

Conditions:
Kabuki syndrome 2 (KABUK2). Also called: KDM6A-Related Kabuki Syndrome. Identifiers: Orphanet 2322, MedGen C3275495, MONDO:0010465, OMIM 300867.

Submission:

Labcorp Genetics (formerly Invitae), Labcorp
Classification: Uncertain significance for Kabuki syndrome 2. Last evaluated: 2023-08-19. Review status: criteria provided, single submitter. Criteria: Invitae Variant Classification Sherloc (09022015). Collection method: clinical testing. Allele origin: germline.
Comment: This sequence change replaces glycine, which is neutral and non-polar, with aspartic acid, which is acidic and polar, at codon 1232 of the KDM6A protein (p.Gly1232Asp). In summary, the available evidence is currently insufficient to determine the role of this variant in disease. Therefore, it has been classified as a Variant of Uncertain Significance. Advanced modeling of protein sequence and biophysical properties (such as structural, functional, and spatial information, amino acid conservation, physicochemical variation, residue mobility, and thermodynamic stability) has been performed at Invitae for this missense variant, however the output from this modeling did not meet the statistical confidence thresholds required to predict the impact of this variant on KDM6A protein function. This variant has not been reported in the literature in individuals affected with KDM6A-related conditions. This variant is not present in population databases (gnomAD no frequency).

NM_001291415.2(KDM6A):c.3851G>A (p.Gly1284Asp)

Gene: KDM6A (lysine demethylase 6A; plus strand). Cytogenetic location: Xp11.3.
Variant type: single nucleotide variant.
Coding change: c.3851G>A on transcript NM_001291415.2 (MANE Select); coding-DNA position 3851, G replaced by A.
Protein change: p.Gly1284Asp; replaces glycine 1284 with aspartic acid.
Molecular consequence: missense variant. On other transcripts: non-coding transcript variant (1).
Genome position (GRCh38, 1-based): chrX:45,089,889, G>A. VCF-style: chrX-45089889-G-A. GRCh37 (hg19) VCF-style: chrX-44949134-G-A.
Other names: c.3458G>A, p.Gly1153Asp (NM_001291418.2, NM_001419815.1); c.2807G>A, p.Gly936Asp (NM_001291421.2); c.3593G>A, p.Gly1198Asp (NM_001410742.1, NM_001419814.1); c.3851G>A, p.Gly1284Asp (NM_001419809.1); c.3749G>A, p.Gly1250Asp (NM_001419810.1, NM_001419813.1); c.3716G>A, p.Gly1239Asp (NM_001419811.1, NM_001291416.2); c.3695G>A, p.Gly1232Asp (NM_001419812.1, NM_021140.4); c.3560G>A, p.Gly1187Asp (NM_001291417.2); short protein forms G1153D, G1284D, G1187D, G1198D, G1232D, G1250D, G1239D, G936D.
Identifiers: ClinVar variation 2751139 (VCV002751139.3), dbSNP rs2148195260, ClinGen allele CA412807504.